The following is an entry in ClinVar:

ClinVar aggregate classification (germline): Benign/Likely benign. Review status: criteria provided, multiple submitters, no conflicts (2 of 4 stars). 11 submissions from 11 submitters: Benign (9); Likely benign (2). Last evaluated 2026-02-04.

Conditions:
Polymerase proofreading-related adenomatous polyposis. Also called: Polymerase proofreading associated polyposis; Polymerase proofreading–associated polyposis (PPAP). Identifiers: Orphanet 447877, MedGen C5202613, MONDO:0018653.
Familial colorectal cancer type X. Identifiers: Orphanet 440437, MedGen C3896578, MONDO:0018604.
Colorectal cancer, susceptibility to, 12 (CRCS12). Also called: COLORECTAL CANCER, SUSCEPTIBILITY TO, ON CHROMOSOME 12q24. Identifiers: Orphanet 220460, MedGen C3554460, MONDO:0014038, OMIM 615083.
Hereditary cancer-predisposing syndrome. Also called: Neoplastic Syndromes, Hereditary; Hereditary neoplastic syndrome; Tumor predisposition; Hereditary Cancer Syndrome. Identifiers: Orphanet 140162, MedGen C0027672, MeSH D009386, MONDO:0015356.

Allele frequency attached by ClinVar (database versions not stated): gnomAD exomes 0.00039 and 0.00097; ExAC 0.00119; 1000 Genomes Project 0.00260; 1000 Genomes Project 30x 0.00297; gnomAD 0.00376 and 0.00402; TOPMed 0.00433; ESP Exome Variant Server 0.00507.

Submissions (11):

Labcorp Genetics (formerly Invitae), Labcorp
Classification: Benign. Last evaluated: 2026-02-04. Review status: criteria provided, single submitter. Criteria: Invitae Variant Classification Sherloc (09022015). Collection method: clinical testing. Allele origin: germline.

CeGaT Center for Human Genetics Tuebingen
Classification: Likely benign. Last evaluated: 2026-02-01. Review status: criteria provided, single submitter. Criteria: CeGaT Center For Human Genetics Tuebingen Variant Classification Criteria Version 2. Collection method: clinical testing. Allele origin: germline. Affected: yes. Observed: 4 variant alleles.
Comment: POLE: BP4, BS1

Center for Genomic Medicine, Rigshospitalet, Copenhagen University Hospital
Classification: Benign. Last evaluated: 2025-12-29. Review status: criteria provided, single submitter. Criteria: ACMG Guidelines, 2015. Collection method: clinical testing. Allele origin: germline.

Ambry Genetics
Classification: Benign for Hereditary cancer-predisposing syndrome. Last evaluated: 2024-11-22. Review status: criteria provided, single submitter. Criteria: Ambry Variant Classification Scheme 2023. Collection method: clinical testing. Allele origin: germline.

Department of Pathology and Laboratory Medicine, Sinai Health System
Classification: Benign for Polymerase proofreading-related adenomatous polyposis; Familial colorectal cancer type X. Last evaluated: 2024-03-07. Review status: criteria provided, single submitter. Criteria: ACMG Guidelines, 2015. Collection method: clinical testing. Allele origin: germline. Affected: yes.

KCCC/NGS Laboratory, Kuwait Cancer Control Center
Classification: Benign for Colorectal cancer, susceptibility to, 12. Last evaluated: 2023-07-07. Review status: criteria provided, single submitter. Criteria: ACMG Guidelines, 2015. Collection method: clinical testing. Allele origin: germline. Affected: yes.

Women's Health and Genetics/Laboratory Corporation of America, LabCorp
Classification: Benign. Last evaluated: 2021-07-18. Review status: criteria provided, single submitter. Criteria: LabCorp Variant Classification Summary - May 2015. Collection method: clinical testing. Allele origin: germline.
Comment: Variant summary: POLE c.6766G>A (p.Gly2256Arg) results in a non-conservative amino acid change in the encoded protein sequence. Four of five in-silico tools predict a benign effect of the variant on protein function. The variant allele was found at a frequency of 0.00097 in 250528 control chromosomes in the gnomAD database, including 4 homozygotes. The observed variant frequency is approximately 68 fold of the estimated maximal expected allele frequency for a pathogenic variant in POLE causing Colorectal Cancer phenotype (1.4e-05), strongly suggesting that the variant is benign. To our knowledge, no occurrence of c.6766G>A in individuals affected with Colorectal Cancer and no experimental evidence demonstrating its impact on protein function have been reported. Five clinical diagnostic laboratories have submitted clinical-significance assessments for this variant to ClinVar after 2014 without evidence for independent evaluation. All laboratories classified the variant as benign (n=3)/likely benign (n=2). Based on the evidence outlined above, the variant was classified as benign.

GeneDx
Classification: Benign. Last evaluated: 2018-07-06. Review status: criteria provided, single submitter. Criteria: GeneDx Variant Classification Process June 2021. Collection method: clinical testing. Allele origin: germline. Affected: yes.

Quest Diagnostics Nichols Institute San Juan Capistrano
Classification: Benign. Last evaluated: 2018-04-17. Review status: criteria provided, single submitter. Criteria: Quest Diagnostics criteria. Collection method: clinical testing. Allele origin: unknown.

PreventionGenetics, part of Exact Sciences
Classification: Benign. Last evaluated: 2017-12-11. Review status: criteria provided, single submitter. Criteria: ACMG Guidelines, 2015. Collection method: clinical testing. Allele origin: germline.

Breakthrough Genomics
Classification: Likely benign. Review status: criteria provided, single submitter. Criteria: ACMG Guidelines, 2015. Collection method: not provided. Allele origin: germline. Inheritance: Autosomal recessive inheritance. Affected: yes.

NM_006231.4(POLE):c.6766G>A (p.Gly2256Arg)

Gene: POLE (DNA polymerase epsilon, catalytic subunit; minus strand). Cytogenetic location: 12q24.33.
Variant type: single nucleotide variant.
Coding change: c.6766G>A on transcript NM_006231.4 (MANE Select); coding-DNA position 6766, G replaced by A.
Protein change: p.Gly2256Arg; replaces glycine 2256 with arginine.
Molecular consequence: missense variant.
Genome position (GRCh38, 1-based): chr12:132,624,792, C>T on the plus strand (G>A on the coding strand, the complement: POLE is on the minus strand). VCF-style: chr12-132624792-C-T. GRCh37 (hg19) VCF-style: chr12-133201378-C-T.
Other names: short protein forms G2256R.
Identifiers: ClinVar variation 381926 (VCV000381926.44), dbSNP rs116323660, ClinGen allele CA6891967.